The following is an entry in ClinVar:

ClinVar aggregate classification (germline): Uncertain significance (1 of 4 stars; one submission).

gnomAD v4.1: 3 of 1,613,456 alleles (0.00019%); highest among the groups gnomAD compares: Non-Finnish European, 0.00025%; no homozygotes.

Submission:

CeGaT Center for Human Genetics Tuebingen
Classification: Uncertain significance. Last evaluated: 2025-06-01. Review status: criteria provided, single submitter. Criteria: CeGaT Center For Human Genetics Tuebingen Variant Classification Criteria Version 2. Collection method: clinical testing. Allele origin: germline. Affected: yes. Observed: 1 variant allele.
Comment: RORB: PM2, PP2, PP3

NM_006914.4(RORB):c.1075A>T (p.Ile359Phe)

Gene: RORB (RAR related orphan receptor B; plus strand). Cytogenetic location: 9q21.13.
Variant type: single nucleotide variant.
Coding change: c.1075A>T on transcript NM_006914.4 (MANE Select); coding-DNA position 1075, A replaced by T.
Protein change: p.Ile359Phe; replaces isoleucine 359 with phenylalanine.
Molecular consequence: missense variant.
Genome position (GRCh38, 1-based): chr9:74,667,865, A>T. VCF-style: chr9-74667865-A-T. GRCh37 (hg19) VCF-style: chr9-77282781-A-T.
Other names: c.1108A>T, p.Ile370Phe (NM_001365023.1); short protein forms I359F, I370F.
Identifiers: ClinVar variation 4084641 (VCV004084641.8).